The following is an entry in ClinVar:

NM_001103146.3(GIGYF2):c.943G>A (p.Glu315Lys)

Gene: GIGYF2 (GRB10 interacting GYF protein 2; plus strand). Cytogenetic location: 2q37.1.
Variant type: single nucleotide variant.
Coding change: c.943G>A on transcript NM_001103146.3 (MANE Select); coding-DNA position 943, G replaced by A.
Protein change: p.Glu315Lys; replaces glutamic acid 315 with lysine.
Molecular consequence: missense variant. On other transcripts: non-coding transcript variant (1).
Genome position (GRCh38, 1-based): chr2:232,791,020, G>A. VCF-style: chr2-232791020-G-A. GRCh37 (hg19) VCF-style: chr2-233655730-G-A.
Other names: c.1009G>A, p.Glu337Lys (NM_001103147.2); c.925G>A, p.Glu309Lys (NM_001103148.2); c.943G>A, p.Glu315Lys (NM_015575.4); short protein forms E309K, E315K, E337K.
Identifiers: ClinVar variation 4891390 (VCV004891390.1).

ClinVar aggregate classification (germline): Uncertain significance (1 of 4 stars; one submission).

gnomAD v4.1: 2 of 1,614,018 alleles (0.00012%); highest among the groups gnomAD compares: Non-Finnish European, 0.00017%; no homozygotes.

Submission:

GeneDx
Classification: Uncertain significance. Last evaluated: 2023-08-14. Review status: criteria provided, single submitter. Criteria: GeneDx Variant Classification Process June 2021. Collection method: clinical testing. Allele origin: germline.
Comment: Not observed at significant frequency in large population cohorts (gnomAD); In silico analysis supports that this missense variant has a deleterious effect on protein structure/function; Has not been previously published as pathogenic or benign to our knowledge; Variants in candidate genes are classified as variants of uncertain significance in accordance with ACMG guidelines (Richards et al., 2015)